The following is an entry in ClinVar:

NM_006231.4(POLE):c.6055G>A (p.Ala2019Thr)

Gene: POLE (DNA polymerase epsilon, catalytic subunit; minus strand). Cytogenetic location: 12q24.33.
Variant type: single nucleotide variant.
Coding change: c.6055G>A on transcript NM_006231.4 (MANE Select); coding-DNA position 6055, G replaced by A.
Protein change: p.Ala2019Thr; replaces alanine 2019 with threonine.
Molecular consequence: missense variant.
Genome position (GRCh38, 1-based): chr12:132,632,745, C>T on the plus strand (G>A on the coding strand, the complement: POLE is on the minus strand). VCF-style: chr12-132632745-C-T. GRCh37 (hg19) VCF-style: chr12-133209331-C-T.
Other names: short protein forms A2019T.
Identifiers: ClinVar variation 2038634 (VCV002038634.4), dbSNP rs2541856062, ClinGen allele CA387370721.
Genomic context (GRCh38, chr12:132,632,745, plus strand): 5'-CCTCGGCCTCCTGGGAGAGCTGGCTGGCCCCCCTCCTCCTCACGGGGGTGCTCCCTGGAG[C>T]ACTGCGCCTCAGCCCGTCCTTCATGCAGTGGTACACGGCCACGATGTACGCTGTGGAGAG-3'
Protein context (NP_006222.2, residues 2009-2029): HCMKDGLRRS[Ala2019Thr]PGSTPVRRRG

ClinVar aggregate classification (germline): Uncertain significance (1 of 4 stars; one submission).

Submission:

Labcorp Genetics (formerly Invitae), Labcorp
Classification: Uncertain significance. Last evaluated: 2021-12-09. Review status: criteria provided, single submitter. Criteria: Invitae Variant Classification Sherloc (09022015). Collection method: clinical testing. Allele origin: germline.
Comment: In summary, the available evidence is currently insufficient to determine the role of this variant in disease. Therefore, it has been classified as a Variant of Uncertain Significance. Algorithms developed to predict the effect of missense changes on protein structure and function output the following: SIFT: "Tolerated"; PolyPhen-2: "Benign"; Align-GVGD: "Class C0". The threonine amino acid residue is found in multiple mammalian species, which suggests that this missense change does not adversely affect protein function. This variant has not been reported in the literature in individuals affected with POLE-related conditions. This variant is not present in population databases (gnomAD no frequency). This sequence change replaces alanine, which is neutral and non-polar, with threonine, which is neutral and polar, at codon 2019 of the POLE protein (p.Ala2019Thr).